The following is an entry in ClinVar:

ClinVar aggregate classification (germline): Pathogenic (1 of 4 stars; one submission).

Submission:

Labcorp Genetics (formerly Invitae), Labcorp
Classification: Pathogenic. Last evaluated: 2026-01-09. Review status: criteria provided, single submitter. Criteria: Invitae Variant Classification Sherloc (09022015). Collection method: clinical testing. Allele origin: germline.
Comment: This sequence change creates a premature translational stop signal (p.Lys124Glnfs*115) in the FOXL2 gene. While this is not anticipated to result in nonsense mediated decay, it is expected to disrupt the last 253 amino acid(s) of the FOXL2 protein. This variant is not present in population databases (gnomAD no frequency). This variant has not been reported in the literature in individuals affected with FOXL2-related conditions. ClinVar contains an entry for this variant (Variation ID: 2708580). This variant disrupts a region of the FOXL2 protein in which other variant(s) (p.Pro307Hisfs*52) have been determined to be pathogenic (PMID: 11468277). This suggests that this is a clinically significant region of the protein, and that variants that disrupt it are likely to be disease-causing. For these reasons, this variant has been classified as Pathogenic.

Literature cited by the submitters: PubMed 11468277.

NM_023067.4(FOXL2):c.369dup (p.Lys124fs)

Gene: FOXL2 (forkhead box L2; minus strand). Cytogenetic location: 3q22.3.
Variant type: Duplication.
Coding change: c.369dup on transcript NM_023067.4 (MANE Select); coding-DNA position 369, one base duplicated (C; older notation c.369dupC).
Protein change: p.Lys124fs; shifts the reading frame from lysine 124.
Molecular consequence: frameshift variant.
Genome position (GRCh38, 1-based): chr3:138,946,354, G duplicated on the plus strand (C on the coding strand, the reverse complement: FOXL2 is on the minus strand). VCF-style (leftmost placement, unchanged base first): chr3-138946353-T-TG. GRCh37 (hg19) VCF-style: chr3-138665195-T-TG.
Other names: short protein forms K124fs.
Identifiers: ClinVar variation 2708580 (VCV002708580.3), dbSNP rs2473814492, ClinGen allele CA2697556891.